The following is an entry in ClinVar:

NM_001197104.2(KMT2A):c.10274C>G (p.Ala3425Gly)

Gene: KMT2A (lysine methyltransferase 2A; plus strand). Cytogenetic location: 11q23.3.
Variant type: single nucleotide variant.
Coding change: c.10274C>G on transcript NM_001197104.2 (MANE Select); coding-DNA position 10274, C replaced by G.
Protein change: p.Ala3425Gly; replaces alanine 3425 with glycine.
Molecular consequence: missense variant.
Genome position (GRCh38, 1-based): chr11:118,506,166, C>G. VCF-style: chr11-118506166-C-G. GRCh37 (hg19) VCF-style: chr11-118376881-C-G.
Other names: c.10364C>G, p.Ala3455Gly (NM_001412597.1); c.10265C>G, p.Ala3422Gly (NM_005933.4); short protein forms A3422G, A3425G, A3455G.
Identifiers: ClinVar variation 3002527 (VCV003002527.3), dbSNP rs140200473, ClinGen allele CA382823118.

ClinVar aggregate classification (germline): Uncertain significance (1 of 4 stars; one submission).

gnomAD v4.1: 1 of 1,614,016 alleles (0.000062%); highest among the groups gnomAD compares: African/African-American, 0.0013%; no homozygotes.

Submission:

Labcorp Genetics (formerly Invitae), Labcorp
Classification: Uncertain significance. Last evaluated: 2025-11-21. Review status: criteria provided, single submitter. Criteria: Invitae Variant Classification Sherloc (09022015). Collection method: clinical testing. Allele origin: germline.
Comment: This sequence change replaces alanine, which is neutral and non-polar, with glycine, which is neutral and non-polar, at codon 3425 of the KMT2A protein (p.Ala3425Gly). This variant is not present in population databases (gnomAD no frequency). This variant has not been reported in the literature in individuals affected with KMT2A-related conditions. ClinVar contains an entry for this variant (Variation ID: 3002527). Invitae Evidence Modeling of protein sequence and biophysical properties (such as structural, functional, and spatial information, amino acid conservation, physicochemical variation, residue mobility, and thermodynamic stability) indicates that this missense variant is not expected to disrupt KMT2A protein function with a negative predictive value of 95%. In summary, the available evidence is currently insufficient to determine the role of this variant in disease. Therefore, it has been classified as a Variant of Uncertain Significance.